The following is an entry in ClinVar:

ClinVar aggregate classification (germline): Uncertain significance (1 of 4 stars; one submission).

Allele frequency attached by ClinVar (database versions not stated): TOPMed below 0.00001; gnomAD 0.00001.
gnomAD v4.1: 1 of 1,601,698 alleles (0.000062%); highest among the groups gnomAD compares: Non-Finnish European, 0.000085%; no homozygotes.

Submission:

Ambry Genetics
Classification: Uncertain significance. Last evaluated: 2023-11-06. Review status: criteria provided, single submitter. Criteria: Ambry Variant Classification Scheme 2023. Collection method: clinical testing. Allele origin: germline.
Comment: The p.K1431E variant (also known as c.4291A>G), located in coding exon 16 of the POLQ gene, results from an A to G substitution at nucleotide position 4291. The lysine at codon 1431 is replaced by glutamic acid, an amino acid with similar properties. This amino acid position is conserved. In addition, this alteration is predicted to be tolerated by in silico analysis. Since supporting evidence is limited at this time, the clinical significance of this alteration remains unclear.

NM_199420.4(POLQ):c.4291A>G (p.Lys1431Glu)

Gene: POLQ (DNA polymerase theta; minus strand). Cytogenetic location: 3q13.33.
Variant type: single nucleotide variant.
Coding change: c.4291A>G on transcript NM_199420.4 (MANE Select); coding-DNA position 4291, A replaced by G.
Protein change: p.Lys1431Glu; replaces lysine 1431 with glutamic acid.
Molecular consequence: missense variant.
Genome position (GRCh38, 1-based): chr3:121,488,640, T>C on the plus strand (A>G on the coding strand, the complement: POLQ is on the minus strand). VCF-style: chr3-121488640-T-C. GRCh37 (hg19) VCF-style: chr3-121207487-T-C.
Other names: short protein forms K1431E.
Identifiers: ClinVar variation 1739442 (VCV001739442.2), dbSNP rs759953849, ClinGen allele CA354095471.